The following is an entry in ClinVar:

NM_003737.4(DCHS1):c.6599A>C (p.Gln2200Pro)

Gene: DCHS1 (dachsous cadherin-related 1; minus strand). Cytogenetic location: 11p15.4.
Variant type: single nucleotide variant.
Coding change: c.6599A>C on transcript NM_003737.4 (MANE Select); coding-DNA position 6599, A replaced by C.
Protein change: p.Gln2200Pro; replaces glutamine 2200 with proline.
Molecular consequence: missense variant.
Genome position (GRCh38, 1-based): chr11:6,626,052, T>G on the plus strand (A>C on the coding strand, the complement: DCHS1 is on the minus strand). VCF-style: chr11-6626052-T-G. GRCh37 (hg19) VCF-style: chr11-6647283-T-G.
Other names: c.6599A>C (NM_003737.2); short protein forms Q2200P.
Identifiers: ClinVar variation 1391576 (VCV001391576.10), dbSNP rs1030713981, ClinGen allele CA217297001.

ClinVar aggregate classification (germline): Uncertain significance. Review status: criteria provided, multiple submitters, no conflicts (2 of 4 stars). 3 submissions from 3 submitters: Uncertain significance (3). Last evaluated 2025-09-21.

Conditions:
Van Maldergem syndrome 1 (VMLDS1). Also called: Van Maldergem syndrome 1 (VMLDS1). Identifiers: Orphanet 314679, MedGen C4551950, MONDO:0011070, OMIM 601390.
Mitral valve prolapse, myxomatous 2. Also called: MMVP2; Mitral valve prolapse 2. Identifiers: MedGen C1843003, MONDO:0011915, OMIM 607829.
Inborn genetic diseases. Identifiers: MedGen C0950123, MeSH D030342.

Allele frequency attached by ClinVar (database versions not stated): gnomAD exomes below 0.00001; gnomAD 0.00002 and 0.00003; TOPMed 0.00002.
gnomAD v4.1: 14 of 1,611,432 alleles (0.00087%); highest among the groups gnomAD compares: African/African-American, 0.0013%; no homozygotes.

Submissions (3):

Labcorp Genetics (formerly Invitae), Labcorp
Classification: Uncertain significance. Last evaluated: 2025-09-21. Review status: criteria provided, single submitter. Criteria: Invitae Variant Classification Sherloc (09022015). Collection method: clinical testing. Allele origin: germline.
Comment: This sequence change replaces glutamine, which is neutral and polar, with proline, which is neutral and non-polar, at codon 2200 of the DCHS1 protein (p.Gln2200Pro). This variant is present in population databases (no rsID available, gnomAD 0.0009%). This variant has not been reported in the literature in individuals affected with DCHS1-related conditions. ClinVar contains an entry for this variant (Variation ID: 1391576). Invitae Evidence Modeling of protein sequence and biophysical properties (such as structural, functional, and spatial information, amino acid conservation, physicochemical variation, residue mobility, and thermodynamic stability) indicates that this missense variant is not expected to disrupt DCHS1 protein function with a negative predictive value of 80%. In summary, the available evidence is currently insufficient to determine the role of this variant in disease. Therefore, it has been classified as a Variant of Uncertain Significance.

Ambry Genetics
Classification: Uncertain significance for Inborn genetic diseases. Last evaluated: 2025-04-03. Review status: criteria provided, single submitter. Criteria: Ambry Variant Classification Scheme 2023. Collection method: clinical testing. Allele origin: germline.

Fulgent Genetics
Classification: Uncertain significance for Van Maldergem syndrome 1; Mitral valve prolapse, myxomatous 2. Last evaluated: 2021-08-05. Review status: criteria provided, single submitter. Criteria: ACMG Guidelines, 2015. Collection method: clinical testing. Allele origin: unknown.